The following is an entry in ClinVar:

ClinVar aggregate classification (germline): Uncertain significance. Review status: criteria provided, multiple submitters, no conflicts (2 of 4 stars). 3 submissions from 3 submitters: Uncertain significance (2). 1 of the submissions does not count toward it. Last evaluated 2022-07-12.

Conditions:
Bifunctional peroxisomal enzyme deficiency (DBIF). Also called: PBFE DEFICIENCY; D-bifunctional protein deficiency; DBP DEFICIENCY. Identifiers: Orphanet 300, MedGen C0342870, MONDO:0009855, OMIM 261515. Disease mechanism: loss of function.
Perrault syndrome. Also called: Gonadal dysgenesis with auditory dysfunction, autosomal recessive inheritance. Identifiers: Orphanet 2855, MedGen C0685838, MONDO:0017312.

Allele frequency attached by ClinVar (database versions not stated): gnomAD exomes below 0.00001 and 0.00001; TOPMed 0.00001; gnomAD 0.00002.
gnomAD v4.1: 7 of 1,602,258 alleles (0.00044%); highest among the groups gnomAD compares: South Asian, 0.0022%; no homozygotes.

Submissions (3):

Labcorp Genetics (formerly Invitae), Labcorp
Classification: Uncertain significance for Perrault syndrome; Bifunctional peroxisomal enzyme deficiency. Last evaluated: 2022-07-12. Review status: criteria provided, single submitter. Criteria: Invitae Variant Classification Sherloc (09022015). Collection method: clinical testing. Allele origin: germline.
Comment: This sequence change replaces arginine, which is basic and polar, with glutamine, which is neutral and polar, at codon 473 of the HSD17B4 protein (p.Arg473Gln). This variant is present in population databases (no rsID available, gnomAD 0.004%). This variant has not been reported in the literature in individuals affected with HSD17B4-related conditions. ClinVar contains an entry for this variant (Variation ID: 595330). Advanced modeling of protein sequence and biophysical properties (such as structural, functional, and spatial information, amino acid conservation, physicochemical variation, residue mobility, and thermodynamic stability) performed at Invitae indicates that this missense variant is not expected to disrupt HSD17B4 protein function. In summary, the available evidence is currently insufficient to determine the role of this variant in disease. Therefore, it has been classified as a Variant of Uncertain Significance.

Eurofins Ntd Llc (ga)
Classification: Uncertain significance. Last evaluated: 2017-12-14. Review status: criteria provided, single submitter. Criteria: EGL Classification Definitions 2015. Collection method: clinical testing. Allele origin: germline. Observed: 1 variant allele, 1 heterozygote.

Natera, Inc.
Classification: Uncertain significance for Bifunctional peroxisomal enzyme deficiency. Last evaluated: 2021-08-31. Review status: no assertion criteria provided. Collection method: clinical testing. Allele origin: germline. Not counted in ClinVar's aggregate classification.

NM_000414.4(HSD17B4):c.1418G>A (p.Arg473Gln)

Gene: HSD17B4 (hydroxysteroid 17-beta dehydrogenase 4; plus strand). Cytogenetic location: 5q23.1.
Variant type: single nucleotide variant.
Coding change: c.1418G>A on transcript NM_000414.4 (MANE Select); coding-DNA position 1418, G replaced by A.
Protein change: p.Arg473Gln; replaces arginine 473 with glutamine.
Molecular consequence: missense variant.
Genome position (GRCh38, 1-based): chr5:119,509,225, G>A. VCF-style: chr5-119509225-G-A. GRCh37 (hg19) VCF-style: chr5-118844920-G-A.
Other names: c.1493G>A, p.Arg498Gln (NM_001199291.3); c.1364G>A, p.Arg455Gln (NM_001199292.2); c.1346G>A, p.Arg449Gln (NM_001292027.2); c.998G>A, p.Arg333Gln (NM_001292028.2); short protein forms R473Q, R333Q, R449Q, R455Q, R498Q.
Identifiers: ClinVar variation 595330 (VCV000595330.8), dbSNP rs901553037, ClinGen allele CA125891842.
Genomic context (GRCh38, chr5:119,509,225, plus strand): 5'-TTATATGCCACAATCAGTTCTCTCTCTTTCTTGTTGGCTCTGGAGGCTTTGGTGGAAAAC[G>A]GACATCAGACAAAGTCAAGGTAAGCCATGACTTTGTAAGCAAAATATATGTGTAGTTAAG-3'
Protein context (NP_000405.1, residues 463-483): LVGSGGFGGK[Arg473Gln]TSDKVKVAVA